The following is an entry in ClinVar:

NM_000059.4(BRCA2):c.7034A>T (p.Gln2345Leu)

Gene: BRCA2 (BRCA2 DNA repair associated; plus strand). Cytogenetic location: 13q13.1.
Variant type: single nucleotide variant.
Coding change: c.7034A>T on transcript NM_000059.4 (MANE Select); coding-DNA position 7034, A replaced by T.
Protein change: p.Gln2345Leu; replaces glutamine 2345 with leucine.
Molecular consequence: missense variant. On other transcripts: non-coding transcript variant (1).
Genome position (GRCh38, 1-based): chr13:32,354,887, A>T. VCF-style: chr13-32354887-A-T. GRCh37 (hg19) VCF-style: chr13-32929024-A-T.
Other names: c.6938A>T, p.Gln2313Leu (NM_001406719.1); c.7034A>T, p.Gln2345Leu (NM_001406720.1, NM_001432077.1); c.2102A>T, p.Gln701Leu (NM_001406721.1); c.617A>T, p.Gln206Leu (NM_001406722.1); short protein forms Q206L, Q2345L, Q701L, Q2313L.
Identifiers: ClinVar variation 3482074 (VCV003482074.1).

ClinVar aggregate classification (germline): Uncertain significance (1 of 4 stars; one submission).

Conditions:
Hereditary cancer-predisposing syndrome. Also called: Tumor predisposition; Neoplastic Syndromes, Hereditary; Hereditary Cancer Syndrome; Hereditary neoplastic syndrome. Identifiers: Orphanet 140162, MedGen C0027672, MeSH D009386, MONDO:0015356.

Submission:

Ambry Genetics
Classification: Uncertain significance for Hereditary cancer-predisposing syndrome. Last evaluated: 2024-09-01. Review status: criteria provided, single submitter. Criteria: Ambry Variant Classification Scheme 2023. Collection method: clinical testing. Allele origin: germline.
Comment: The p.Q2345L variant (also known as c.7034A>T), located in coding exon 13 of the BRCA2 gene, results from an A to T substitution at nucleotide position 7034. The glutamine at codon 2345 is replaced by leucine, an amino acid with dissimilar properties. This amino acid position is conserved. In addition, the in silico prediction for this alteration is inconclusive. Based on the available evidence, the clinical significance of this variant remains unclear.